The following is an entry in ClinVar:

NM_020944.3(GBA2):c.1784T>C (p.Ile595Thr)

Gene: GBA2 (glucosylceramidase beta 2; minus strand). Cytogenetic location: 9p13.3.
Variant type: single nucleotide variant.
Coding change: c.1784T>C on transcript NM_020944.3 (MANE Select); coding-DNA position 1784, T replaced by C.
Protein change: p.Ile595Thr; replaces isoleucine 595 with threonine.
Molecular consequence: missense variant.
Genome position (GRCh38, 1-based): chr9:35,739,013, A>G on the plus strand (T>C on the coding strand, the complement: GBA2 is on the minus strand). VCF-style: chr9-35739013-A-G. GRCh37 (hg19) VCF-style: chr9-35739010-A-G.
Other names: c.1784T>C, p.Ile595Thr (NM_001330660.2); short protein forms I595T.
Identifiers: ClinVar variation 657526 (VCV000657526.8), dbSNP rs1035304750, ClinGen allele CA192759366.

ClinVar aggregate classification (germline): Uncertain significance (1 of 4 stars; one submission).

Conditions:
Spastic paraplegia. Identifiers: MedGen C0037772, HP:0001258.

Allele frequency attached by ClinVar (database versions not stated): gnomAD exomes below 0.00001; TOPMed below 0.00001; gnomAD 0.00001.

Submission:

Labcorp Genetics (formerly Invitae), Labcorp
Classification: Uncertain significance for Spastic paraplegia. Last evaluated: 2018-09-06. Review status: criteria provided, single submitter. Criteria: Invitae Variant Classification Sherloc (09022015). Collection method: clinical testing. Allele origin: germline.
Comment: This variant has not been reported in the literature in individuals with GBA2-related disease. This variant is not present in population databases (ExAC no frequency). This sequence change replaces isoleucine with threonine at codon 595 of the GBA2 protein (p.Ile595Thr). The isoleucine residue is moderately conserved and there is a moderate physicochemical difference between isoleucine and threonine. Algorithms developed to predict the effect of missense changes on protein structure and function are either unavailable or do not agree on the potential impact of this missense change (SIFT: "Deleterious"; PolyPhen-2: "Benign"; Align-GVGD: "Class C25"). In summary, the available evidence is currently insufficient to determine the role of this variant in disease. Therefore, it has been classified as a Variant of Uncertain Significance.